The following is an entry in ClinVar:

NM_000059.4(BRCA2):c.8566_8567delinsC (p.Glu2856fs)

Gene: BRCA2 (BRCA2 DNA repair associated; plus strand). Cytogenetic location: 13q13.1.
Variant type: Indel.
Coding change: c.8566_8567delinsC on transcript NM_000059.4 (MANE Select); coding-DNA positions 8566 to 8567, GA replaced by C.
Protein change: p.Glu2856fs; shifts the reading frame from glutamic acid 2856.
Molecular consequence: frameshift variant.
Genome position (GRCh38, 1-based): chr13:32,371,034-32,371,035, GA replaced by C. VCF-style: chr13-32371034-GA-C. GRCh37 (hg19) VCF-style: chr13-32945171-GA-C.
Other names: short protein forms E2856fs.
Identifiers: ClinVar variation 225754 (VCV000225754.7), dbSNP rs869320798, ClinGen allele CA10576074.
Genomic context (GRCh38, chr13:32,371,034, plus strand): 5'-TCTGGATTATACATATTTCGCAATGAAAGAGAGGAAGAAAAGGAAGCAGCAAAATATGTG[GA>C]GGCCCAACAAAAGAGACTAGAAGCCTTATTCACTAAAATTCAGGAGGAATTTGAAGAACA-3'

ClinVar aggregate classification (germline): Pathogenic. Review status: reviewed by expert panel (3 of 4 stars). 4 submissions from 4 submitters: Pathogenic (1). 3 of the submissions do not count toward it. Last evaluated 2017-12-15.

Conditions:
Hereditary cancer-predisposing syndrome. Also called: Tumor predisposition; Neoplastic Syndromes, Hereditary; Hereditary neoplastic syndrome; Hereditary Cancer Syndrome. Identifiers: Orphanet 140162, MedGen C0027672, MeSH D009386, MONDO:0015356.
BRCA2-related cancer predisposition. Identifiers: MedGen CN377758, MONDO:0700269.
Breast-ovarian cancer, familial, susceptibility to, 2 (BROVCA2). Also called: BRCA2 Hereditary Breast and Ovarian Cancer. Identifiers: Orphanet 145, MedGen C2675520, MONDO:0012933, OMIM 612555. Disease mechanism: loss of function.

Submissions (4):

Evidence-based Network for the Interpretation of Germline Mutant Alleles (ENIGMA)
Classification: Pathogenic for Breast-ovarian cancer, familial, susceptibility to, 2. Last evaluated: 2017-12-15. Review status: reviewed by expert panel. Criteria: ENIGMA BRCA1/2 Classification Criteria (2017-06-29). Collection method: curation. Allele origin: germline. Study: ENIGMA.
Comment: Variant allele predicted to encode a truncated non-functional protein.

Department of Pathology and Laboratory Medicine, Sinai Health System
Classification: Pathogenic for BRCA2-related cancer predisposition. Last evaluated: 2025-01-17. Review status: criteria provided, single submitter. Criteria: ACMG Guidelines, 2015. Collection method: clinical testing. Allele origin: germline. Not counted in ClinVar's aggregate classification.

Ambry Genetics
Classification: Pathogenic for Hereditary cancer-predisposing syndrome. Last evaluated: 2022-10-03. Review status: criteria provided, single submitter. Criteria: Ambry Variant Classification Scheme 2023. Collection method: clinical testing. Allele origin: germline. Not counted in ClinVar's aggregate classification.
Comment: The c.8566_8567delGAinsC pathogenic mutation, located in coding exon 19 of the BRCA2 gene, results from the deletion of two nucleotides and insertion of one nucleotide causing a translational frameshift with a predicted alternate stop codon (p.E2856Rfs*7). This alteration is expected to result in loss of function by premature protein truncation or nonsense-mediated mRNA decay. As such, this alteration is interpreted as a disease-causing mutation.

Molecular Genetics Laboratory, University of Michigan
Classification: Pathogenic for Breast-ovarian cancer, familial, susceptibility to, 2. Last evaluated: 2016-04-21. Review status: criteria provided, single submitter. Criteria: ACMG Guidelines, 2015. Collection method: clinical testing. Allele origin: germline. Affected: yes. Not counted in ClinVar's aggregate classification.